The following is an entry in ClinVar:

ClinVar aggregate classification (germline): Uncertain significance (1 of 4 stars; one submission).

Conditions:
Cystic fibrosis (CF). Also called: MUCOVISCIDOSIS. Identifiers: Orphanet 586, MedGen C0010674, MONDO:0009061, OMIM 219700. Disease mechanism: loss of function.

gnomAD v4.1: 1 of 1,609,592 alleles (0.000062%); highest among the groups gnomAD compares: South Asian, 0.0011%; no homozygotes.

Submission:

Ambry Genetics
Classification: Uncertain significance for Cystic fibrosis. Last evaluated: 2024-09-24. Review status: criteria provided, single submitter. Criteria: Ambry Variant Classification Scheme 2023. Collection method: clinical testing. Allele origin: germline.
Comment: The p.A462V variant (also known as c.1385C>T), located in coding exon 10 of the CFTR gene, results from a C to T substitution at nucleotide position 1385. The alanine at codon 462 is replaced by valine, an amino acid with similar properties. This amino acid position is conserved. In addition, this alteration is predicted to be deleterious by in silico analysis. Based on the available evidence, the clinical significance of this variant remains unclear.

NM_000492.4(CFTR):c.1385C>T (p.Ala462Val)

Genes: CFTR (CF transmembrane conductance regulator; plus strand), CFTR-AS1 (CFTR antisense RNA 1; minus strand). Cytogenetic location: 7q31.2.
Variant type: single nucleotide variant.
Coding change: c.1385C>T on transcript NM_000492.4 (MANE Select); coding-DNA position 1385, C replaced by T.
Protein change: p.Ala462Val; replaces alanine 462 with valine.
Molecular consequence: missense variant.
Genome position (GRCh38, 1-based): chr7:117,548,816, C>T. VCF-style: chr7-117548816-C-T. GRCh37 (hg19) VCF-style: chr7-117188870-C-T.
Other names: short protein forms A462V.
Identifiers: ClinVar variation 3491670 (VCV003491670.1).